The following is an entry in ClinVar:

ClinVar aggregate classification (germline): Uncertain significance (1 of 4 stars; one submission).

Conditions:
Cardiovascular phenotype. Identifiers: MedGen CN230736.
Hereditary cancer-predisposing syndrome. Also called: Tumor predisposition; Hereditary neoplastic syndrome; Hereditary Cancer Syndrome; Neoplastic Syndromes, Hereditary. Identifiers: Orphanet 140162, MedGen C0027672, MeSH D009386, MONDO:0015356.

Submission:

Ambry Genetics
Classification: Uncertain significance for Cardiovascular phenotype; Hereditary cancer-predisposing syndrome. Last evaluated: 2025-03-23. Review status: criteria provided, single submitter. Criteria: Ambry Variant Classification Scheme 2023. Collection method: clinical testing. Allele origin: germline.
Comment: The p.F720L variant (also known as c.2158T>C), located in coding exon 18 of the LZTR1 gene, results from a T to C substitution at nucleotide position 2158. The phenylalanine at codon 720 is replaced by leucine, an amino acid with highly similar properties. This amino acid position is conserved. In addition, the in silico prediction for this alteration is inconclusive. Based on the available evidence, the clinical significance of this variant remains unclear.

NM_006767.4(LZTR1):c.2158T>C (p.Phe720Leu)

Gene: LZTR1 (leucine zipper like post translational regulator 1; plus strand). Cytogenetic location: 22q11.21.
Variant type: single nucleotide variant.
Coding change: c.2158T>C on transcript NM_006767.4 (MANE Select); coding-DNA position 2158, T replaced by C.
Protein change: p.Phe720Leu; replaces phenylalanine 720 with leucine.
Molecular consequence: missense variant.
Genome position (GRCh38, 1-based): chr22:20,996,051, T>C. VCF-style: chr22-20996051-T-C. GRCh37 (hg19) VCF-style: chr22-21350340-T-C.
Other names: short protein forms F720L.
Identifiers: ClinVar variation 3975601 (VCV003975601.1).